The following is an entry in ClinVar:

ClinVar aggregate classification (germline): Uncertain significance (1 of 4 stars; one submission).

Allele frequency attached by ClinVar (database versions not stated): TOPMed below 0.00001.
gnomAD v4.1: 4 of 1,613,420 alleles (0.00025%); highest among the groups gnomAD compares: Middle Eastern, 0.017%; no homozygotes.

Submission:

GeneDx
Classification: Uncertain significance. Last evaluated: 2023-05-12. Review status: criteria provided, single submitter. Criteria: GeneDx Variant Classification Process June 2021. Collection method: clinical testing. Allele origin: germline. Affected: yes.
Comment: Not observed at significant frequency in large population cohorts (gnomAD); In silico analysis supports that this missense variant does not alter protein structure/function; Has not been previously published as pathogenic or benign to our knowledge

NM_014251.3(SLC25A13):c.1201G>A (p.Val401Ile)

Gene: SLC25A13 (solute carrier family 25 member 13; minus strand). Cytogenetic location: 7q21.3.
Variant type: single nucleotide variant.
Coding change: c.1201G>A on transcript NM_014251.3 (MANE Select); coding-DNA position 1201, G replaced by A.
Protein change: p.Val401Ile; replaces valine 401 with isoleucine.
Molecular consequence: missense variant. On other transcripts: non-coding transcript variant (1).
Genome position (GRCh38, 1-based): chr7:96,171,501, C>T on the plus strand (G>A on the coding strand, the complement: SLC25A13 is on the minus strand). VCF-style: chr7-96171501-C-T. GRCh37 (hg19) VCF-style: chr7-95800813-C-T.
Other names: c.1204G>A, p.Val402Ile (NM_001160210.2); short protein forms V401I, V402I.
Identifiers: ClinVar variation 2663418 (VCV002663418.1), dbSNP rs1243282367, ClinGen allele CA368259115.